The following is an entry in ClinVar:

NM_001606.5(ABCA2):c.2602C>T (p.Leu868=)

Gene: ABCA2 (ATP binding cassette subfamily A member 2; minus strand). Cytogenetic location: 9q34.3.
Variant type: single nucleotide variant.
Coding change: c.2602C>T on transcript NM_001606.5 (MANE Select); coding-DNA position 2602, C replaced by T.
Protein change: p.Leu868=; no amino-acid change (leucine 868 retained).
Molecular consequence: synonymous variant.
Genome position (GRCh38, 1-based): chr9:137,017,076, G>A on the plus strand (C>T on the coding strand, the complement: ABCA2 is on the minus strand). VCF-style: chr9-137017076-G-A. GRCh37 (hg19) VCF-style: chr9-139911528-G-A.
Other names: c.2692C>T, p.Leu898= (NM_212533.3).
Identifiers: ClinVar variation 1676133 (VCV001676133.33), dbSNP rs1159833284, ClinGen allele CA467845754.

ClinVar aggregate classification (germline): Likely benign (1 of 4 stars; one submission).

Allele frequency attached by ClinVar (database versions not stated): gnomAD 0.00001; gnomAD exomes 0.00001 and 0.00002; TOPMed 0.00002.
gnomAD v4.1: 28 of 1,612,650 alleles (0.0017%); highest among the groups gnomAD compares: Non-Finnish European, 0.0023%; no homozygotes.

Submission:

CeGaT Center for Human Genetics Tuebingen
Classification: Likely benign. Last evaluated: 2022-03-01. Review status: criteria provided, single submitter. Criteria: CeGaT Center For Human Genetics Tuebingen Variant Classification Criteria Version 2. Collection method: clinical testing. Allele origin: germline. Affected: yes. Observed: 1 variant allele.
Comment: ABCA2: BP4, BP7